The following is an entry in ClinVar:

ClinVar aggregate classification (germline): Likely benign. Review status: criteria provided, multiple submitters, no conflicts (2 of 4 stars). 2 submissions from 2 submitters: Likely benign (2). Last evaluated 2024-10-17.

Conditions:
Autosomal dominant nonsyndromic hearing loss 20. Identifiers: Orphanet 90635, MedGen C1858172, MONDO:0011480, OMIM 604717.
Baraitser-winter syndrome 2. Identifiers: Orphanet 2995, MedGen C3281235, MONDO:0013812, OMIM 614583.

Allele frequency attached by ClinVar (database versions not stated): gnomAD exomes 0.00001; gnomAD 0.00003 and 0.00004; TOPMed 0.00003.
gnomAD v4.1: 23 of 1,613,822 alleles (0.0014%); highest among the groups gnomAD compares: African/African-American, 0.011%; no homozygotes.

Submissions (2):

Labcorp Genetics (formerly Invitae), Labcorp
Classification: Likely benign for Baraitser-winter syndrome 2; Autosomal dominant nonsyndromic hearing loss 20. Last evaluated: 2024-10-17. Review status: criteria provided, single submitter. Criteria: Invitae Variant Classification Sherloc (09022015). Collection method: clinical testing. Allele origin: germline.

Laboratory for Molecular Medicine, Mass General Brigham Personalized Medicine
Classification: Likely benign. Last evaluated: 2015-05-12. Review status: criteria provided, single submitter. Criteria: LMM Criteria. Collection method: clinical testing. Allele origin: germline. Observed: 1 variant allele.
Comment: c.803-13C>T in intron 4 of ACTG1: This variant is not expected to have clinical significance because a C>T change at this position does not diverge from the spl ice consensus sequence and is therefore unlikely to impact splicing. It has been identified in 1/11566 Latino chromosomes by the Exome Aggregation Consortium (E xAC).

NM_001614.5(ACTG1):c.803-13C>T

Gene: ACTG1 (actin gamma 1; minus strand). Cytogenetic location: 17q25.3.
Variant type: single nucleotide variant.
Coding change: c.803-13C>T on transcript NM_001614.5 (MANE Select); 13 bases into the intron before coding-DNA position 803, C replaced by T.
Molecular consequence: intron variant.
Genome position (GRCh38, 1-based): chr17:81,511,121, G>A on the plus strand (C>T on the coding strand, the complement: ACTG1 is on the minus strand). VCF-style: chr17-81511121-G-A. GRCh37 (hg19) VCF-style: chr17-79478147-G-A.
Other names: c.803-13C>T (NM_001199954.3).
Identifiers: ClinVar variation 227171 (VCV000227171.8), dbSNP rs376658586, ClinGen allele CA8835945.